The following is an entry in ClinVar:

NM_001283009.2(RTEL1):c.601G>A (p.Gly201Arg)

Genes: RTEL1 (regulator of telomere elongation helicase 1; plus strand), RTEL1-TNFRSF6B (RTEL1-TNFRSF6B readthrough (NMD candidate); plus strand). Cytogenetic location: 20q13.33.
Variant type: single nucleotide variant.
Coding change: c.601G>A on transcript NM_001283009.2 (MANE Select); coding-DNA position 601, G replaced by A.
Protein change: p.Gly201Arg; replaces glycine 201 with arginine.
Molecular consequence: missense variant. On other transcripts: non-coding transcript variant (1), 5 prime UTR variant (1).
Genome position (GRCh38, 1-based): chr20:63,666,066, G>A. VCF-style: chr20-63666066-G-A. GRCh37 (hg19) VCF-style: chr20-62297419-G-A.
Other names: c.-69G>A (NM_001283010.1); c.601G>A, p.Gly201Arg (NM_016434.4); c.673G>A, p.Gly225Arg (NM_032957.5); c.673G>A (NM_032957.4); short protein forms G225R, G201R.
Identifiers: ClinVar variation 2929412 (VCV002929412.5), dbSNP rs1192425489, ClinGen allele CA409670568.

ClinVar aggregate classification (germline): Conflicting classifications of pathogenicity. Review status: criteria provided, conflicting classifications (1 of 4 stars). 3 submissions from 3 submitters: Likely pathogenic (1); Uncertain significance (2). Last evaluated 2025-08-20.

Conditions:
RTEL1-related disorder. Also called: RTEL1-related disorders; RTEL1-related condition.
Inborn genetic diseases. Identifiers: MedGen C0950123, MeSH D030342.
Pulmonary fibrosis and/or bone marrow failure, Telomere-related, 3. Also called: PULMONARY FIBROSIS AND/OR BONE MARROW FAILURE SYNDROME, TELOMERE-RELATED, 3. Identifiers: Orphanet 2032, MedGen C4225346, MONDO:0014613, OMIM 616373.
Dyskeratosis congenita, autosomal recessive 5 (DKCB5). Identifiers: MedGen C3554656, MONDO:0014076, OMIM 615190.

Allele frequency attached by ClinVar (database versions not stated): gnomAD exomes below 0.00001; TOPMed below 0.00001.
gnomAD v4.1: 3 of 1,614,104 alleles (0.00019%); highest among the groups gnomAD compares: Admixed American, 0.0017%; no homozygotes.

Submissions (3):

Ambry Genetics
Classification: Uncertain significance for Inborn genetic diseases. Last evaluated: 2025-08-20. Review status: criteria provided, single submitter. Criteria: Ambry Variant Classification Scheme 2023. Collection method: clinical testing. Allele origin: germline.

Labcorp Genetics (formerly Invitae), Labcorp
Classification: Uncertain significance for Dyskeratosis congenita, autosomal recessive 5; Pulmonary fibrosis and/or bone marrow failure, Telomere-related, 3. Last evaluated: 2025-05-06. Review status: criteria provided, single submitter. Criteria: Invitae Variant Classification Sherloc (09022015). Collection method: clinical testing. Allele origin: germline.
Comment: This sequence change replaces glycine, which is neutral and non-polar, with arginine, which is basic and polar, at codon 201 of the RTEL1 protein (p.Gly201Arg). This variant is present in population databases (no rsID available, gnomAD 0.0009%). This variant has not been reported in the literature in individuals affected with RTEL1-related conditions. ClinVar contains an entry for this variant (Variation ID: 2929412). An algorithm developed to predict the effect of missense changes on protein structure and function (PolyPhen-2) suggests that this variant is likely to be disruptive. In summary, the available evidence is currently insufficient to determine the role of this variant in disease. Therefore, it has been classified as a Variant of Uncertain Significance.

Blueprint Genetics
Classification: Likely pathogenic for RTEL1-related disorders. Last evaluated: 2022-09-08. Review status: criteria provided, single submitter. Criteria: ACMG Guidelines, 2015. Collection method: clinical testing. Allele origin: germline. Affected: yes. Observed: 3 variant alleles.